The following is an entry in ClinVar:

ClinVar aggregate classification (germline): Uncertain significance (1 of 4 stars; one submission).

gnomAD v4.1: 8 of 1,613,482 alleles (0.0005%); highest among the groups gnomAD compares: Admixed American, 0.013%; no homozygotes.

Submission:

GeneDx
Classification: Uncertain significance. Last evaluated: 2023-12-08. Review status: criteria provided, single submitter. Criteria: GeneDx Variant Classification Process June 2021. Collection method: clinical testing. Allele origin: germline.
Comment: In silico analysis supports that this missense variant does not alter protein structure/function; Has not been previously published as pathogenic or benign to our knowledge; Variants in candidate genes are classified as variants of uncertain significance in accordance with ACMG guidelines (Richards et al., 2015)

NM_004839.4(HOMER2):c.289A>G (p.Thr97Ala)

Gene: HOMER2 (homer scaffold protein 2; minus strand). Cytogenetic location: 15q25.2.
Variant type: single nucleotide variant.
Coding change: c.289A>G on transcript NM_004839.4 (MANE Select); coding-DNA position 289, A replaced by G.
Protein change: p.Thr97Ala; replaces threonine 97 with alanine.
Molecular consequence: missense variant.
Genome position (GRCh38, 1-based): chr15:82,875,278, T>C on the plus strand (A>G on the coding strand, the complement: HOMER2 is on the minus strand). VCF-style: chr15-82875278-T-C. GRCh37 (hg19) VCF-style: chr15-83544030-T-C.
Other names: c.289A>G, p.Thr97Ala (NM_199330.3); short protein forms T97A.
Identifiers: ClinVar variation 4891308 (VCV004891308.1).